The following is an entry in ClinVar:

ClinVar aggregate classification (germline): Uncertain significance (1 of 4 stars; one submission).

Conditions:
Developmental and epileptic encephalopathy, 23 (DEE23). Also called: Epileptic encephalopathy, early infantile, 23. Identifiers: Orphanet 411986, MedGen C4014492, MONDO:0014371, OMIM 615859.

Allele frequency attached by ClinVar (database versions not stated): gnomAD exomes below 0.00001; gnomAD 0.00001.
gnomAD v4.1: 2 of 1,612,104 alleles (0.00012%); highest among the groups gnomAD compares: African/African-American, 0.0027%; no homozygotes.

Submission:

Labcorp Genetics (formerly Invitae), Labcorp
Classification: Uncertain significance for Developmental and epileptic encephalopathy, 23. Last evaluated: 2020-04-24. Review status: criteria provided, single submitter. Criteria: Invitae Variant Classification Sherloc (09022015). Collection method: clinical testing. Allele origin: germline.
Comment: This sequence change replaces leucine with arginine at codon 1093 of the DOCK7 protein (p.Leu1093Arg). The leucine residue is highly conserved and there is a moderate physicochemical difference between leucine and arginine. This variant is not present in population databases (ExAC no frequency). In summary, the available evidence is currently insufficient to determine the role of this variant in disease. Therefore, it has been classified as a Variant of Uncertain Significance. Algorithms developed to predict the effect of missense changes on protein structure and function are either unavailable or do not agree on the potential impact of this missense change (SIFT: "Deleterious"; PolyPhen-2: "Probably Damaging"; Align-GVGD: "Class C0"). This variant has not been reported in the literature in individuals with DOCK7-related conditions.

NM_001367561.1(DOCK7):c.3278T>G (p.Leu1093Arg)

Gene: DOCK7 (dedicator of cytokinesis 7; minus strand). Cytogenetic location: 1p31.3.
Variant type: single nucleotide variant.
Coding change: c.3278T>G on transcript NM_001367561.1 (MANE Select); coding-DNA position 3278, T replaced by G.
Protein change: p.Leu1093Arg; replaces leucine 1093 with arginine.
Molecular consequence: missense variant.
Genome position (GRCh38, 1-based): chr1:62,539,567, A>C on the plus strand (T>G on the coding strand, the complement: DOCK7 is on the minus strand). VCF-style: chr1-62539567-A-C. GRCh37 (hg19) VCF-style: chr1-63005238-A-C.
Other names: c.3278T>G, p.Leu1093Arg (NM_001271999.2, NM_001330614.2); c.3185T>G, p.Leu1062Arg (NM_001272000.2, NM_001272001.2, NM_033407.4); short protein forms L1093R, L1062R.
Identifiers: ClinVar variation 942012 (VCV000942012.10), dbSNP rs1245192917, ClinGen allele CA340608449.